The following is an entry in ClinVar:

ClinVar aggregate classification (germline): Pathogenic (1 of 4 stars; one submission).

Conditions:
Polycystic kidney disease, adult type (PKD1). Also called: Polycystic Kidney, Autosomal Dominant; POLYCYSTIC KIDNEY DISEASE, ADULT, TYPE I; Polycystic Kidney Disease 1, Autosomal Dominant; Polycystic kidney disease 1; Polycystic kidney disease 1, severe; POLYCYSTIC KIDNEY DISEASE 1 WITH OR WITHOUT POLYCYSTIC LIVER DISEASE. Identifiers: MedGen C3149841, MONDO:0008263, OMIM 173900.

Submission:

Juno Genomics, Hangzhou Juno Genomics, Inc
Classification: Pathogenic for Polycystic kidney disease, adult type. Review status: criteria provided, single submitter. Criteria: ACMG Guidelines, 2015. Collection method: clinical testing. Allele origin: germline. Affected: yes.
Comment: Absent from controls (or at extremely low frequency if recessive) in Genome Aggregation Database.;Null variant in a gene where loss of function (LOF) is a known mechanism of disease.;Patient's phenotype or family history is highly specific for a disease with a single genetic etiology.

NM_001009944.3(PKD1):c.2188_2191del (p.Ser730fs)

Gene: PKD1 (polycystin 1, transient receptor potential channel interacting; minus strand). Cytogenetic location: 16p13.3.
Variant type: Deletion.
Coding change: c.2188_2191del on transcript NM_001009944.3 (MANE Select); coding-DNA positions 2188 to 2191, 4 bases deleted (TCGC; older notation c.2188_2191delTCGC).
Protein change: p.Ser730fs; shifts the reading frame from serine 730.
Molecular consequence: frameshift variant.
Genome position (GRCh38, 1-based): chr16:2,114,832-2,114,835, GCGA deleted on the plus strand (TCGC on the coding strand, the reverse complement: PKD1 is on the minus strand); deleting any 4 consecutive bases within chr16:2,114,832-2,114,837 gives the same sequence; the c. name uses the placement nearest the transcript's 3' end. VCF-style (leftmost placement, unchanged base first): chr16-2114831-GGCGA-G. GRCh37 (hg19) VCF-style: chr16-2164832-GGCGA-G.
Other names: c.2188_2191del, p.Ser730fs (NM_000296.4); short protein forms S730fs.
Identifiers: ClinVar variation 5018774 (VCV005018774.1).